The following is an entry in ClinVar:

ClinVar aggregate classification (germline): Pathogenic (1 of 4 stars; one submission).

Conditions:
Developmental and epileptic encephalopathy, 9 (DEE9). Also called: Early infantile epileptic encephalopathy 9; EPILEPSY, FEMALE-RESTRICTED, WITH MENTAL RETARDATION; PCDH19-Related X-Linked Female-Limited Epilepsy with Mental Retardation; JUBERG-HELLMAN SYNDROME. Identifiers: Orphanet 101039, Orphanet 2076, MedGen C1848137, MONDO:0010246, OMIM 300088. Disease mechanism: loss of function.

Submission:

Labcorp Genetics (formerly Invitae), Labcorp
Classification: Pathogenic for Developmental and epileptic encephalopathy, 9. Last evaluated: 2022-07-19. Review status: criteria provided, single submitter. Criteria: Invitae Variant Classification Sherloc (09022015). Collection method: clinical testing. Allele origin: germline.
Comment: This sequence change replaces proline, which is neutral and non-polar, with threonine, which is neutral and polar, at codon 323 of the PCDH19 protein (p.Pro323Thr). For these reasons, this variant has been classified as Pathogenic. Advanced modeling of protein sequence and biophysical properties (such as structural, functional, and spatial information, amino acid conservation, physicochemical variation, residue mobility, and thermodynamic stability) performed at Invitae indicates that this missense variant is expected to disrupt PCDH19 protein function. ClinVar contains an entry for this variant (Variation ID: 1403072). This missense change has been observed in individual(s) with epileptic encephalopathy (Invitae). In at least one individual the variant was observed to be de novo. This variant is not present in population databases (gnomAD no frequency).

NM_001184880.2(PCDH19):c.967C>A (p.Pro323Thr)

Gene: PCDH19 (protocadherin 19; minus strand). Cytogenetic location: Xq22.1.
Variant type: single nucleotide variant.
Coding change: c.967C>A on transcript NM_001184880.2 (MANE Select); coding-DNA position 967, C replaced by A.
Protein change: p.Pro323Thr; replaces proline 323 with threonine.
Molecular consequence: missense variant.
Genome position (GRCh38, 1-based): chrX:100,407,631, G>T on the plus strand (C>A on the coding strand, the complement: PCDH19 is on the minus strand). VCF-style: chrX-100407631-G-T. GRCh37 (hg19) VCF-style: chrX-99662629-G-T.
Other names: c.967C>A, p.Pro323Thr (NM_001105243.2, NM_020766.3); short protein forms P323T.
Identifiers: ClinVar variation 1403072 (VCV001403072.8), dbSNP rs2147540049, ClinGen allele CA414004902.